The following is an entry in ClinVar:

NM_018127.7(ELAC2):c.1865A>T (p.Glu622Val)

Gene: ELAC2 (elaC ribonuclease Z 2; minus strand). Cytogenetic location: 17p12.
Variant type: single nucleotide variant.
Coding change: c.1865A>T on transcript NM_018127.7 (MANE Select); coding-DNA position 1865, A replaced by T.
Protein change: p.Glu622Val; replaces glutamic acid 622 with valine.
Molecular consequence: missense variant.
Genome position (GRCh38, 1-based): chr17:12,995,006, T>A on the plus strand (A>T on the coding strand, the complement: ELAC2 is on the minus strand). VCF-style: chr17-12995006-T-A. GRCh37 (hg19) VCF-style: chr17-12898323-T-A.
Other names: c.1745A>T, p.Glu582Val (NM_001165962.2); c.1862A>T, p.Glu621Val (NM_173717.2); short protein forms E622V, E621V, E582V.
Identifiers: ClinVar variation 5059 (VCV000005059.15), dbSNP rs119484087, ClinGen allele CA117236.

ClinVar aggregate classification (germline): Benign/Likely benign. Review status: criteria provided, multiple submitters, no conflicts (2 of 4 stars). 5 submissions from 5 submitters: Benign (1); Likely benign (3). 1 of the submissions does not count toward it. Last evaluated 2025-12-23.

Conditions:
ELAC2-related disorder. Also called: ELAC2-related condition.
Combined oxidative phosphorylation defect type 17. Also called: Combined oxidative phosphorylation deficiency 17. Identifiers: Orphanet 369913, MedGen C3809526, MONDO:0014190, OMIM 615440.
Prostate cancer, hereditary, 2 (HPC2). Identifiers: Orphanet 1331, MedGen C3539120, MONDO:0013872, OMIM 614731.

Allele frequency attached by ClinVar (database versions not stated): TOPMed 0.00008; 1000 Genomes Project 30x 0.00016; 1000 Genomes Project 0.00020; gnomAD 0.00156.
gnomAD v4.1: 1,000 of 1,614,180 alleles (0.062%); highest among the groups gnomAD compares: Non-Finnish European, 0.021%; 3 homozygotes.

Submissions (6):

Labcorp Genetics (formerly Invitae), Labcorp
Classification: Benign for Combined oxidative phosphorylation defect type 17. Last evaluated: 2025-12-23. Review status: criteria provided, single submitter. Criteria: Invitae Variant Classification Sherloc (09022015). Collection method: clinical testing. Allele origin: germline.

Mayo Clinic Laboratories, Mayo Clinic
Classification: Likely benign. Last evaluated: 2025-08-26. Review status: criteria provided, single submitter. Criteria: ACMG Guidelines, 2015. Collection method: clinical testing. Allele origin: germline. Observed: 1 variant allele.
Comment: BA1

PreventionGenetics, part of Exact Sciences
Classification: Likely benign for ELAC2-related condition. Last evaluated: 2025-01-02. Review status: criteria provided, single submitter. Criteria: ACMG Guidelines, 2015. Collection method: clinical testing. Allele origin: germline.
Comment: This variant is classified as likely benign based on ACMG/AMP sequence variant interpretation guidelines (Richards et al. 2015 PMID: 25741868, with internal and published modifications).

Blueprint Genetics
Classification: Likely benign. Last evaluated: 2024-10-08. Review status: criteria provided, single submitter. Criteria: ACMG Guidelines, 2015. Collection method: clinical testing. Allele origin: germline.

OMIM
Classification: Pathogenic for PROSTATE CANCER, HEREDITARY, 2. Last evaluated: 2001-08-15. Review status: no assertion criteria provided. Collection method: literature only. Allele origin: germline. Not counted in ClinVar's aggregate classification.

Dr. Peter K. Rogan Lab, Western University
No classification provided (evidence only). Condition: Melanoma. Review status: no classification provided. Collection method: in vitro. Allele origin: not applicable. Functional consequence: retained intron. Not counted in ClinVar's aggregate classification.

Literature cited by the submitters: PubMed 11507049 (cited by OMIM).